The following is an entry in ClinVar:

NM_018368.4(LMBRD1):c.704T>C (p.Leu235Ser)

Gene: LMBRD1 (LMBR1 domain containing 1; minus strand). Cytogenetic location: 6q13.
Variant type: single nucleotide variant.
Coding change: c.704T>C on transcript NM_018368.4 (MANE Select); coding-DNA position 704, T replaced by C.
Protein change: p.Leu235Ser; replaces leucine 235 with serine.
Molecular consequence: missense variant.
Genome position (GRCh38, 1-based): chr6:69,719,014, A>G on the plus strand (T>C on the coding strand, the complement: LMBRD1 is on the minus strand). VCF-style: chr6-69719014-A-G. GRCh37 (hg19) VCF-style: chr6-70428906-A-G.
Other names: c.485T>C, p.Leu162Ser (NM_001363722.2, NM_001367271.1, NM_001367272.1); short protein forms L235S, L162S.
Identifiers: ClinVar variation 1371121 (VCV001371121.5), dbSNP rs376076271, ClinGen allele CA3879807.

ClinVar aggregate classification (germline): Uncertain significance (1 of 4 stars; one submission).

Conditions:
Methylmalonic aciduria and homocystinuria type cblF. Also called: COBALAMIN F DISEASE; COBALAMIN, DEFECT IN LYSOSOMAL RELEASE OF; METHYLMALONIC ACIDEMIA AND HOMOCYSTINURIA, cblF TYPE; METHYLMALONIC ACIDURIA DUE TO VITAMIN B12-RELEASE DEFECT; VITAMIN B12 LYSOSOMAL RELEASE DEFECT; VITAMIN B12 STORAGE DISEASE. Identifiers: Orphanet 79284, MedGen C1848578, MONDO:0010183, OMIM 277380.

Allele frequency attached by ClinVar (database versions not stated): ExAC 0.00001; gnomAD exomes 0.00001; gnomAD 0.00002; TOPMed 0.00007.
gnomAD v4.1: 27 of 1,613,242 alleles (0.0017%); highest among the groups gnomAD compares: African/African-American, 0.025%; no homozygotes.

Submission:

Labcorp Genetics (formerly Invitae), Labcorp
Classification: Uncertain significance for Methylmalonic aciduria and homocystinuria type cblF. Last evaluated: 2022-06-13. Review status: criteria provided, single submitter. Criteria: Invitae Variant Classification Sherloc (09022015). Collection method: clinical testing. Allele origin: germline.
Comment: This sequence change replaces leucine, which is neutral and non-polar, with serine, which is neutral and polar, at codon 235 of the LMBRD1 protein (p.Leu235Ser). The frequency data for this variant in the population databases is considered unreliable, as metrics indicate poor data quality at this position in the gnomAD database. This variant has not been reported in the literature in individuals affected with LMBRD1-related conditions. Algorithms developed to predict the effect of missense changes on protein structure and function are either unavailable or do not agree on the potential impact of this missense change (SIFT: "Deleterious"; PolyPhen-2: "Benign"; Align-GVGD: "Class C65"). In summary, the available evidence is currently insufficient to determine the role of this variant in disease. Therefore, it has been classified as a Variant of Uncertain Significance.